The following is an entry in ClinVar:

ClinVar aggregate classification (germline): Uncertain significance (1 of 4 stars; one submission).

Conditions:
Myopathy, proximal, and ophthalmoplegia (CMYO6). Also called: INCLUSION BODY MYOPATHY 3, AUTOSOMAL DOMINANT; CONGENITAL MYOPATHY 6 WITH OPHTHALMOPLEGIA; MYOPATHY WITH CONGENITAL JOINT CONTRACTURES, OPHTHALMOPLEGIA, AND RIMMED VACUOLES. Identifiers: Orphanet 363677, Orphanet 79091, MedGen C1854106, MONDO:0011577, OMIM 605637.

Submission:

Labcorp Genetics (formerly Invitae), Labcorp
Classification: Uncertain significance for Myopathy, proximal, and ophthalmoplegia. Last evaluated: 2024-11-04. Review status: criteria provided, single submitter. Criteria: Invitae Variant Classification Sherloc (09022015). Collection method: clinical testing. Allele origin: germline.
Comment: This sequence change replaces aspartic acid, which is acidic and polar, with glycine, which is neutral and non-polar, at codon 1917 of the MYH2 protein (p.Asp1917Gly). This variant is not present in population databases (gnomAD no frequency). This variant has not been reported in the literature in individuals affected with MYH2-related conditions. ClinVar contains an entry for this variant (Variation ID: 2809915). Invitae Evidence Modeling of protein sequence and biophysical properties (such as structural, functional, and spatial information, amino acid conservation, physicochemical variation, residue mobility, and thermodynamic stability) indicates that this missense variant is not expected to disrupt MYH2 protein function with a negative predictive value of 80%. In summary, the available evidence is currently insufficient to determine the role of this variant in disease. Therefore, it has been classified as a Variant of Uncertain Significance.

NM_017534.6(MYH2):c.5750A>G (p.Asp1917Gly)

Genes: MYHAS (myosin heavy chain gene cluster antisense RNA; plus strand), MYH2 (myosin heavy chain 2; minus strand). Cytogenetic location: 17p13.1.
Variant type: single nucleotide variant.
Coding change: c.5750A>G on transcript NM_017534.6 (MANE Select); coding-DNA position 5750, A replaced by G.
Protein change: p.Asp1917Gly; replaces aspartic acid 1917 with glycine.
Molecular consequence: missense variant.
Genome position (GRCh38, 1-based): chr17:10,521,356, T>C on the plus strand (A>G on the coding strand, the complement: MYH2 is on the minus strand). VCF-style: chr17-10521356-T-C. GRCh37 (hg19) VCF-style: chr17-10424673-T-C.
Other names: c.5750A>G, p.Asp1917Gly (NM_001100112.2); short protein forms D1917G.
Identifiers: ClinVar variation 2809915 (VCV002809915.3), dbSNP rs2508401649, ClinGen allele CA398110222.
Genomic context (GRCh38, chr17:10,521,356, plus strand): 5'-ACTTTTGTGTGAACCTCCCGGCTCTTCACCCGCAGTTTGTTCACCTGGGACTCAGCAATG[T>C]CAGCCCGTTCCTCGGCCTCCTCCAGCTCATGCTGGAGCTTGCGGAATTTAGCTAGATTGG-3'
Protein context (NP_060004.3, residues 1907-1927): HELEEAEERA[Asp1917Gly]IAESQVNKLR